The following is an entry in ClinVar:

NM_020937.4(FANCM):c.3889C>G (p.Pro1297Ala)

Gene: FANCM (FA complementation group M; plus strand). Cytogenetic location: 14q21.2.
Variant type: single nucleotide variant.
Coding change: c.3889C>G on transcript NM_020937.4 (MANE Select); coding-DNA position 3889, C replaced by G.
Protein change: p.Pro1297Ala; replaces proline 1297 with alanine.
Molecular consequence: missense variant.
Genome position (GRCh38, 1-based): chr14:45,176,643, C>G. VCF-style: chr14-45176643-C-G. GRCh37 (hg19) VCF-style: chr14-45645846-C-G.
Other names: c.3811C>G, p.Pro1271Ala (NM_001308133.2); short protein forms P1297A, P1271A.
Identifiers: ClinVar variation 4619624 (VCV004619624.1).
Genomic context (GRCh38, chr14:45,176,643, plus strand): 5'-AATCAAGCACTAATACCAAGAGATCATAGTAAAAATTTTACTAGTGGAACTGTTATTATC[C>G]CATCAAATGAAGATATGCAGAATCCAAATTATGTACATTTGCCACTGAGTGCAGCAAAAA-3'
Protein context (NP_065988.1, residues 1287-1307): KNFTSGTVII[Pro1297Ala]SNEDMQNPNY

ClinVar aggregate classification (germline): Uncertain significance (1 of 4 stars; one submission).

Conditions:
Inborn genetic diseases. Identifiers: MedGen C0950123, MeSH D030342.

Submission:

Ambry Genetics
Classification: Uncertain significance for Inborn genetic diseases. Last evaluated: 2025-12-01. Review status: criteria provided, single submitter. Criteria: Ambry Variant Classification Scheme 2023. Collection method: clinical testing. Allele origin: germline.
Comment: The p.P1297A variant (also known as c.3889C>G), located in coding exon 14 of the FANCM gene, results from a C to G substitution at nucleotide position 3889. The proline at codon 1297 is replaced by alanine, an amino acid with highly similar properties. This amino acid position is conserved. In addition, this alteration is predicted to be tolerated by in silico analysis. Based on the available evidence, the clinical significance of this variant remains unclear.